The following is an entry in ClinVar:

NM_144643.4(SCLT1):c.1585A>G (p.Ser529Gly)

Gene: SCLT1 (sodium channel and clathrin linker 1; minus strand). Cytogenetic location: 4q28.2.
Variant type: single nucleotide variant.
Coding change: c.1585A>G on transcript NM_144643.4 (MANE Select); coding-DNA position 1585, A replaced by G.
Protein change: p.Ser529Gly; replaces serine 529 with glycine.
Molecular consequence: missense variant. On other transcripts: intron variant (1).
Genome position (GRCh38, 1-based): chr4:128,943,043, T>C on the plus strand (A>G on the coding strand, the complement: SCLT1 is on the minus strand). VCF-style: chr4-128943043-T-C. GRCh37 (hg19) VCF-style: chr4-129864198-T-C.
Other names: c.1439+2964A>G (NM_001410807.1); short protein forms S529G.
Identifiers: ClinVar variation 4997740 (VCV004997740.1).

ClinVar aggregate classification (germline): Uncertain significance (1 of 4 stars; one submission).

Conditions:
SCLT1-related disorder. Also called: SCLT1-related condition.

gnomAD v4.1: 1 of 1,613,140 alleles (0.000062%); highest among the groups gnomAD compares: Admixed American, 0.0017%; no homozygotes.

Submission:

PreventionGenetics, part of Exact Sciences
Classification: Uncertain significance for SCLT1-related condition. Last evaluated: 2025-12-23. Review status: criteria provided, single submitter. Criteria: ACMG Guidelines, 2015. Collection method: clinical testing. Allele origin: germline.
Comment: The SCLT1 c.1585A>G variant is predicted to result in the amino acid substitution p.Ser529Gly. To our knowledge, this variant has not been reported in the literature or in a large population database (gnomAD), indicating this variant is rare. At this time, the clinical significance of this variant is uncertain due to the absence of conclusive functional and genetic evidence.